The following is an entry in ClinVar:

NM_018474.6(KIZ):c.1516T>C (p.Ser506Pro)

Genes: KIZ (kizuna centrosomal protein; plus strand), KIZ-AS1 (KIZ antisense RNA 1; minus strand). Cytogenetic location: 20p11.23.
Variant type: single nucleotide variant.
Coding change: c.1516T>C on transcript NM_018474.6 (MANE Select); coding-DNA position 1516, T replaced by C.
Protein change: p.Ser506Pro; replaces serine 506 with proline.
Molecular consequence: missense variant.
Genome position (GRCh38, 1-based): chr20:21,214,604, T>C. VCF-style: chr20-21214604-T-C. GRCh37 (hg19) VCF-style: chr20-21195242-T-C.
Other names: c.1207T>C, p.Ser403Pro (NM_001163022.3); c.1117T>C, p.Ser373Pro (NM_001163023.3); c.1369T>C, p.Ser457Pro (NM_001276389.2); c.1462T>C, p.Ser488Pro (NM_001352434.2); c.1153T>C, p.Ser385Pro (NM_001352435.2); c.1174T>C, p.Ser392Pro (NM_001352436.2); short protein forms S385P, S488P, S392P, S403P, S506P, S373P, S457P.
Identifiers: ClinVar variation 1350697 (VCV001350697.6), dbSNP rs779494512, ClinGen allele CA9784894.
Genomic context (GRCh38, chr20:21,214,604, plus strand): 5'-TTATTGAGAAAAGCCCTTACAGAAGAGTGTGGCCGTAGGTCAGCTATTCACAGTAGTGAA[T>C]CATCTTGCAGCTTGCCATCTATTCTGAATGACAATAGTGGAATAAAGGAAGCCAAACCTG-3'
Protein context (NP_060944.3, residues 496-516): GRRSAIHSSE[Ser506Pro]SCSLPSILND

ClinVar aggregate classification (germline): Uncertain significance. Review status: criteria provided, multiple submitters, no conflicts (2 of 4 stars). 2 submissions from 2 submitters: Uncertain significance (2). Last evaluated 2026-01-19.

Allele frequency attached by ClinVar (database versions not stated): TOPMed below 0.00001; gnomAD 0.00001; gnomAD exomes 0.00002; ExAC 0.00003.
gnomAD v4.1: 15 of 1,613,058 alleles (0.00093%); highest among the groups gnomAD compares: Non-Finnish European, 0.0013%; no homozygotes.

Submissions (2):

Labcorp Genetics (formerly Invitae), Labcorp
Classification: Uncertain significance. Last evaluated: 2026-01-19. Review status: criteria provided, single submitter. Criteria: Invitae Variant Classification Sherloc (09022015). Collection method: clinical testing. Allele origin: germline.
Comment: This sequence change replaces serine, which is neutral and polar, with proline, which is neutral and non-polar, at codon 506 of the KIZ protein (p.Ser506Pro). This variant is present in population databases (rs779494512, gnomAD 0.004%). This variant has not been reported in the literature in individuals affected with KIZ-related conditions. ClinVar contains an entry for this variant (Variation ID: 1350697). Experimental studies and prediction algorithms are not available or were not evaluated, and the functional significance of this variant is currently unknown. In summary, the available evidence is currently insufficient to determine the role of this variant in disease. Therefore, it has been classified as a Variant of Uncertain Significance.

Blueprint Genetics
Classification: Uncertain significance. Last evaluated: 2021-11-07. Review status: criteria provided, single submitter. Criteria: ACMG Guidelines, 2015. Collection method: clinical testing. Allele origin: germline.